The following is an entry in ClinVar:

ClinVar aggregate classification (germline): Uncertain significance. Review status: criteria provided, multiple submitters, no conflicts (2 of 4 stars). 2 submissions from 2 submitters: Uncertain significance (2). Last evaluated 2024-01-28.

Conditions:
Fanconi anemia (FA). Also called: Fanconi's anemia. Identifiers: Orphanet 84, MedGen C0015625, MeSH D005199, MONDO:0019391.
Fanconi anemia complementation group F. Also called: FANCF-Related Fanconi Anemia. Identifiers: Orphanet 84, MedGen C3469526, MONDO:0011325, OMIM 603467.

Allele frequency attached by ClinVar (database versions not stated): ExAC 0.00001; gnomAD exomes 0.00001 and 0.00002.

Submissions (2):

Fulgent Genetics
Classification: Uncertain significance for Fanconi anemia complementation group F. Last evaluated: 2024-01-28. Review status: criteria provided, single submitter. Criteria: ACMG Guidelines, 2015. Collection method: clinical testing. Allele origin: germline.

Labcorp Genetics (formerly Invitae), Labcorp
Classification: Uncertain significance for Fanconi anemia. Last evaluated: 2022-07-30. Review status: criteria provided, single submitter. Criteria: Invitae Variant Classification Sherloc (09022015). Collection method: clinical testing. Allele origin: germline.
Comment: ClinVar contains an entry for this variant (Variation ID: 848522). In summary, the available evidence is currently insufficient to determine the role of this variant in disease. Therefore, it has been classified as a Variant of Uncertain Significance. Algorithms developed to predict the effect of missense changes on protein structure and function output the following: SIFT: "Tolerated"; PolyPhen-2: "Benign"; Align-GVGD: "Class C0". The arginine amino acid residue is found in multiple mammalian species, which suggests that this missense change does not adversely affect protein function. This variant has not been reported in the literature in individuals affected with FANCF-related conditions. This variant is present in population databases (rs754977013, gnomAD 0.01%). This sequence change replaces glycine, which is neutral and non-polar, with arginine, which is basic and polar, at codon 258 of the FANCF protein (p.Gly258Arg).

NM_022725.4(FANCF):c.772G>A (p.Gly258Arg)

Gene: FANCF (FA complementation group F; minus strand). Cytogenetic location: 11p14.3.
Variant type: single nucleotide variant.
Coding change: c.772G>A on transcript NM_022725.4 (MANE Select); coding-DNA position 772, G replaced by A.
Protein change: p.Gly258Arg; replaces glycine 258 with arginine.
Molecular consequence: missense variant.
Genome position (GRCh38, 1-based): chr11:22,625,039, C>T on the plus strand (G>A on the coding strand, the complement: FANCF is on the minus strand). VCF-style: chr11-22625039-C-T. GRCh37 (hg19) VCF-style: chr11-22646585-C-T.
Other names: short protein forms G258R.
Identifiers: ClinVar variation 848522 (VCV000848522.8), dbSNP rs754977013, ClinGen allele CA5924263.